The following is an entry in ClinVar:

NM_003482.4(KMT2D):c.7139A>G (p.Gln2380Arg)

Gene: KMT2D (lysine methyltransferase 2D; minus strand). Cytogenetic location: 12q13.12.
Variant type: single nucleotide variant.
Coding change: c.7139A>G on transcript NM_003482.4 (MANE Select); coding-DNA position 7139, A replaced by G.
Protein change: p.Gln2380Arg; replaces glutamine 2380 with arginine.
Molecular consequence: missense variant.
Genome position (GRCh38, 1-based): chr12:49,040,631, T>C on the plus strand (A>G on the coding strand, the complement: KMT2D is on the minus strand). VCF-style: chr12-49040631-T-C. GRCh37 (hg19) VCF-style: chr12-49434414-T-C.
Other names: short protein forms Q2380R.
Identifiers: ClinVar variation 2630721 (VCV002630721.1), dbSNP rs2120531839, ClinGen allele CA384748712.

ClinVar aggregate classification (germline): Uncertain significance (1 of 4 stars; one submission).

Conditions:
KMT2D-related disorder. Also called: KMT2D-Related Disorders.

Submission:

PreventionGenetics, part of Exact Sciences
Classification: Uncertain significance for KMT2D-related condition. Last evaluated: 2023-09-27. Review status: criteria provided, single submitter. Criteria: ACMG Guidelines, 2015. Collection method: clinical testing. Allele origin: germline.
Comment: The KMT2D c.7139A>G variant is predicted to result in the amino acid substitution p.Gln2380Arg. To our knowledge, this variant has not been reported in the literature or in a large population database, indicating this variant is rare. At this time, the clinical significance of this variant is uncertain due to the absence of conclusive functional and genetic evidence.